The following is an entry in ClinVar:

ClinVar aggregate classification (germline): Uncertain significance (1 of 4 stars; one submission).

Conditions:
Alacrima, achalasia, and impaired intellectual development syndrome. Also called: Alacrima, achalasia, and mental retardation syndrome; Alacrima, achalasia, and intellectual disability syndrome. Identifiers: Orphanet 869, MedGen C4706563, MONDO:0014219, OMIM 615510.

Allele frequency attached by ClinVar (database versions not stated): gnomAD exomes below 0.00001; TOPMed below 0.00001; gnomAD 0.00001.

Submission:

Labcorp Genetics (formerly Invitae), Labcorp
Classification: Uncertain significance for Alacrima, achalasia, and impaired intellectual development syndrome. Last evaluated: 2024-02-24. Review status: criteria provided, single submitter. Criteria: Invitae Variant Classification Sherloc (09022015). Collection method: clinical testing. Allele origin: germline.
Comment: This sequence change replaces leucine, which is neutral and non-polar, with phenylalanine, which is neutral and non-polar, at codon 65 of the GMPPA protein (p.Leu65Phe). This variant is not present in population databases (gnomAD no frequency). This variant has not been reported in the literature in individuals affected with GMPPA-related conditions. ClinVar contains an entry for this variant (Variation ID: 2006163). Advanced modeling of protein sequence and biophysical properties (such as structural, functional, and spatial information, amino acid conservation, physicochemical variation, residue mobility, and thermodynamic stability) performed at Invitae indicates that this missense variant is not expected to disrupt GMPPA protein function with a negative predictive value of 80%. In summary, the available evidence is currently insufficient to determine the role of this variant in disease. Therefore, it has been classified as a Variant of Uncertain Significance.

NM_013335.4(GMPPA):c.193C>T (p.Leu65Phe)

Genes: ASIC4-AS1 (ASIC4 antisense RNA 1; minus strand), GMPPA (GDP-mannose pyrophosphorylase A; plus strand). Cytogenetic location: 2q35.
Variant type: single nucleotide variant.
Coding change: c.193C>T on transcript NM_013335.4 (MANE Select); coding-DNA position 193, C replaced by T.
Protein change: p.Leu65Phe; replaces leucine 65 with phenylalanine.
Molecular consequence: missense variant.
Genome position (GRCh38, 1-based): chr2:219,501,530, C>T. VCF-style: chr2-219501530-C-T. GRCh37 (hg19) VCF-style: chr2-220366252-C-T.
Other names: c.193C>T, p.Leu65Phe (NM_205847.3, NM_001374294.1, NM_001374295.1); short protein forms L65F.
Identifiers: ClinVar variation 2006163 (VCV002006163.4), dbSNP rs1454131972, ClinGen allele CA350729820.